The following is an entry in ClinVar:

ClinVar aggregate classification (germline): Benign/Likely benign. Review status: criteria provided, multiple submitters, no conflicts (2 of 4 stars). 2 submissions from 2 submitters: Benign (1); Likely benign (1). Last evaluated 2019-02-14.

Conditions:
RAB23-related Carpenter syndrome. Also called: ACPS II; Carpenter syndrome 1. Identifiers: Orphanet 65759, MedGen C4551510, MONDO:0008710, OMIM 201000.

Allele frequency attached by ClinVar (database versions not stated): 1000 Genomes Project 0.00339; gnomAD 0.00387 and 0.00424; TOPMed 0.00418; ExAC 0.00114; gnomAD exomes 0.00098 and 0.00038; ESP Exome Variant Server 0.00408; 1000 Genomes Project 30x 0.00344.
gnomAD v4.1: 1,155 of 1,611,336 alleles (0.072%); highest among the groups gnomAD compares: African/African-American, 1.4%; 10 homozygotes.

Submissions (2):

GeneDx
Classification: Likely benign. Last evaluated: 2019-02-14. Review status: criteria provided, single submitter. Criteria: GeneDx Variant Classification Process June 2021. Collection method: clinical testing. Allele origin: germline. Affected: yes.
Comment: See Variant Classification Assertion Criteria.

Illumina Laboratory Services, Illumina
Classification: Benign for RAB23-related Carpenter syndrome. Last evaluated: 2018-01-13. Review status: criteria provided, single submitter. Criteria: ICSL Variant Classification Criteria 13 December 2019. Collection method: clinical testing. Allele origin: germline.
Comment: This variant was observed in the ICSL laboratory as part of a predisposition screen in an ostensibly healthy population. It had not been previously curated by ICSL or reported in the Human Gene Mutation Database (HGMD: prior to June 1st, 2018), and was therefore a candidate for classification through an automated scoring system. Utilizing variant allele frequency, disease prevalence and penetrance estimates, and inheritance mode, an automated score was calculated to assess if this variant is too frequent to cause the disease. Based on the score and internal cut-off values, a variant classified as benign is not then subjected to further curation. The score for this variant resulted in a classification of benign for this disease.

NM_016277.5(RAB23):c.-23C>T

Gene: RAB23 (RAB23, member RAS oncogene family; minus strand). Cytogenetic location: 6p11.2.
Variant type: single nucleotide variant.
Coding change: c.-23C>T on transcript NM_016277.5 (MANE Select); 23 bases upstream of the start codon, C replaced by T.
Molecular consequence: 5 prime UTR variant. On other transcripts: non-coding transcript variant (1).
Genome position (GRCh38, 1-based): chr6:57,210,403, G>A on the plus strand (C>T on the coding strand, the complement: RAB23 is on the minus strand). VCF-style: chr6-57210403-G-A. GRCh37 (hg19) VCF-style: chr6-57075201-G-A.
Other names: c.-23C>T (NM_001278666.2, NM_001278667.2, NM_001278668.2 and 1 more transcripts).
Identifiers: ClinVar variation 357646 (VCV000357646.6), dbSNP rs145059995, ClinGen allele CA3873940.